The following is an entry in ClinVar:

NM_201384.3(PLEC):c.3832G>T (p.Ala1278Ser)

Gene: PLEC (plectin; minus strand). Cytogenetic location: 8q24.3.
Variant type: single nucleotide variant.
Coding change: c.3832G>T on transcript NM_201384.3 (MANE Select); coding-DNA position 3832, G replaced by T.
Protein change: p.Ala1278Ser; replaces alanine 1278 with serine.
Molecular consequence: missense variant.
Genome position (GRCh38, 1-based): chr8:143,927,260, C>A on the plus strand (G>T on the coding strand, the complement: PLEC is on the minus strand). VCF-style: chr8-143927260-C-A. GRCh37 (hg19) VCF-style: chr8-145001428-C-A.
Other names: c.3913G>T, p.Ala1305Ser (NM_000445.5, NM_001410941.1); c.3790G>T, p.Ala1264Ser (NM_201378.4); c.3766G>T, p.Ala1256Ser (NM_201379.3); c.4243G>T, p.Ala1415Ser (NM_201380.4); c.3736G>T, p.Ala1246Ser (NM_201381.3); c.3832G>T, p.Ala1278Ser (NM_201382.4); c.3844G>T, p.Ala1282Ser (NM_201383.3); short protein forms A1264S, A1246S, A1278S, A1282S, A1256S, A1415S, A1305S.
Identifiers: ClinVar variation 2926860 (VCV002926860.3), dbSNP rs781897072, ClinGen allele CA372564312.

ClinVar aggregate classification (germline): Uncertain significance (1 of 4 stars; one submission).

Conditions:
Epidermolysis bullosa simplex with nail dystrophy (EBS5D). Identifiers: MedGen C4225309, MONDO:0014661, OMIM 616487.
Epidermolysis bullosa simplex 5B, with muscular dystrophy (EBS5B). Also called: EPIDERMOLYSIS BULLOSA SIMPLEX AND LIMB-GIRDLE MUSCULAR DYSTROPHY; Epidermolysis bullosa simplex with muscular dystrophy. Identifiers: Orphanet 257, MedGen C2931072, MONDO:0009181, OMIM 226670.
Epidermolysis bullosa simplex 5C, with pyloric atresia (EBS5C). Also called: PLEC-Related Epidermolysis Bullosa with Pyloric Atresia; Epidermolysis bullosa simplex with pyloric atresia; PLEC1-Related Epidermolysis Bullosa with Pyloric Atresia. Identifiers: Orphanet 158684, MedGen C2677349, MONDO:0012807, OMIM 612138.
Autosomal recessive limb-girdle muscular dystrophy type 2Q (LGMDR17). Also called: MUSCULAR DYSTROPHY, LIMB-GIRDLE, AUTOSOMAL RECESSIVE 17. Identifiers: Orphanet 254361, MedGen C3150989, MONDO:0013390, OMIM 613723.
Epidermolysis bullosa simplex, Ogna type (EBS5A). Also called: Pidermolysis bullosa simplex 5A, Ogna type; EPIDERMOLYSIS BULLOSA SIMPLEX 5A, OGNA TYPE. Identifiers: Orphanet 79401, MedGen C0432317, MONDO:0007555, OMIM 131950.

gnomAD v4.1: 4 of 1,613,142 alleles (0.00025%); highest among the groups gnomAD compares: Non-Finnish European, 0.00034%; no homozygotes.

Submission:

Labcorp Genetics (formerly Invitae), Labcorp
Classification: Uncertain significance for Autosomal recessive limb-girdle muscular dystrophy type 2Q; Epidermolysis bullosa simplex, Ogna type; Epidermolysis bullosa simplex with nail dystrophy; Epidermolysis bullosa simplex 5C, with pyloric atresia; Epidermolysis bullosa simplex 5B, with muscular dystrophy. Last evaluated: 2023-11-21. Review status: criteria provided, single submitter. Criteria: Invitae Variant Classification Sherloc (09022015). Collection method: clinical testing. Allele origin: germline.
Comment: This sequence change replaces alanine, which is neutral and non-polar, with serine, which is neutral and polar, at codon 1305 of the PLEC protein (p.Ala1305Ser). This variant is not present in population databases (gnomAD no frequency). This variant has not been reported in the literature in individuals affected with PLEC-related conditions. Advanced modeling of protein sequence and biophysical properties (such as structural, functional, and spatial information, amino acid conservation, physicochemical variation, residue mobility, and thermodynamic stability) performed at Invitae indicates that this missense variant is not expected to disrupt PLEC protein function with a negative predictive value of 80%. In summary, the available evidence is currently insufficient to determine the role of this variant in disease. Therefore, it has been classified as a Variant of Uncertain Significance.